The following is an entry in ClinVar:

ClinVar aggregate classification (germline): Uncertain significance (1 of 4 stars; one submission).

Conditions:
Ataxia-telangiectasia-like disorder (ATLD). Identifiers: MedGen C1858391, MONDO:0011457.

Submission:

Labcorp Genetics (formerly Invitae), Labcorp
Classification: Uncertain significance for Ataxia-telangiectasia-like disorder. Last evaluated: 2022-06-01. Review status: criteria provided, single submitter. Criteria: Invitae Variant Classification Sherloc (09022015). Collection method: clinical testing. Allele origin: germline.
Comment: This variant has not been reported in the literature in individuals affected with MRE11-related conditions. In summary, the available evidence is currently insufficient to determine the role of this variant in disease. Therefore, it has been classified as a Variant of Uncertain Significance. Algorithms developed to predict the effect of missense changes on protein structure and function (SIFT, PolyPhen-2, Align-GVGD) all suggest that this variant is likely to be disruptive. This variant is not present in population databases (gnomAD no frequency). This sequence change replaces valine, which is neutral and non-polar, with alanine, which is neutral and non-polar, at codon 241 of the MRE11 protein (p.Val241Ala).

NM_005591.4(MRE11):c.722T>C (p.Val241Ala)

Gene: MRE11 (MRE11 double strand break repair nuclease; minus strand). Cytogenetic location: 11q21.
Variant type: single nucleotide variant.
Coding change: c.722T>C on transcript NM_005591.4 (MANE Select); coding-DNA position 722, T replaced by C.
Protein change: p.Val241Ala; replaces valine 241 with alanine.
Molecular consequence: missense variant.
Genome position (GRCh38, 1-based): chr11:94,471,697, A>G on the plus strand (T>C on the coding strand, the complement: MRE11 is on the minus strand). VCF-style: chr11-94471697-A-G. GRCh37 (hg19) VCF-style: chr11-94204863-A-G.
Other names: c.722T>C, p.Val241Ala (NM_001330347.2, NM_005590.4); short protein forms V241A.
Identifiers: ClinVar variation 2001730 (VCV002001730.4), dbSNP rs2496496985, ClinGen allele CA382375823.